The following is an entry in ClinVar:

ClinVar aggregate classification (germline): Uncertain significance (1 of 4 stars; one submission).

Submission:

GeneDx
Classification: Uncertain significance. Last evaluated: 2016-11-30. Review status: criteria provided, single submitter. Criteria: GeneDx Variant Classification (06012015). Collection method: clinical testing. Allele origin: germline. Affected: yes.
Comment: The D319V missense variant has been reported previously in association with multiple epiphyseal dysplasia (Wang et al., 2013), with limited evidence for pathogenicity. This variant was not observed in approximately 6500 individuals of European and African American ancestry in the NHLBI Exome Sequencing Project, indicating it is not a common benign variant in these populations. D319V is a non-conservative amino acid substitution, which is likely to impact secondary protein structure as these residues differ in polarity, charge, size and/or other properties. This substitution occurs at a conserved position in the type III (T3) repeat region (Jackson et al., 2012) and in silico analysis predicts this variant is probably damaging to the protein structure/function. Missense variants in the same (D319H) and nearby residues (D317N/G) have been reported in the Human Gene Mutation Database in association with multiple epiphyseal dysplasia (Stenson et al., 2014), supporting the functional importance of this region of the protein. Therefore, based on the currently available information, it is unclear whether this variant is a pathogenic variant or a rare benign variant.

NM_000095.3(COMP):c.956A>T (p.Asp319Val)

Gene: COMP (cartilage oligomeric matrix protein; minus strand). Cytogenetic location: 19p13.11.
Variant type: single nucleotide variant.
Coding change: c.956A>T on transcript NM_000095.3 (MANE Select); coding-DNA position 956, A replaced by T.
Protein change: p.Asp319Val; replaces aspartic acid 319 with valine.
Molecular consequence: missense variant.
Genome position (GRCh38, 1-based): chr19:18,788,231, T>A on the plus strand (A>T on the coding strand, the complement: COMP is on the minus strand). VCF-style: chr19-18788231-T-A. GRCh37 (hg19) VCF-style: chr19-18899040-T-A.
Other names: short protein forms D319V.
Identifiers: ClinVar variation 372764 (VCV000372764.1), dbSNP rs1057517970, ClinGen allele CA16043182.